The following is an entry in ClinVar:

ClinVar aggregate classification (germline): Uncertain significance (1 of 4 stars; one submission).

Conditions:
Inborn genetic diseases. Identifiers: MedGen C0950123, MeSH D030342.

Allele frequency attached by ClinVar (database versions not stated): TOPMed below 0.00001.

Submission:

Ambry Genetics
Classification: Uncertain significance for Inborn genetic diseases. Last evaluated: 2020-06-24. Review status: criteria provided, single submitter. Criteria: Ambry Variant Classification Scheme 2023. Collection method: clinical testing. Allele origin: germline.
Comment: The p.M2052T variant (also known as c.6155T>C), located in coding exon 42 of the DST gene, results from a T to C substitution at nucleotide position 6155. The methionine at codon 2052 is replaced by threonine, an amino acid with similar properties. This amino acid position is not well conserved in available vertebrate species, and threonine is the reference amino acid in other vertebrate species. In addition, this alteration is predicted to be tolerated by in silico analysis. Since supporting evidence is limited at this time, the clinical significance of this alteration remains unclear.

NM_001374736.1(DST):c.12512T>C (p.Met4171Thr)

Gene: DST (dystonin; minus strand). Cytogenetic location: 6p12.1.
Variant type: single nucleotide variant.
Coding change: c.12512T>C on transcript NM_001374736.1 (MANE Select); coding-DNA position 12512, T replaced by C.
Protein change: p.Met4171Thr; replaces methionine 4171 with threonine.
Molecular consequence: missense variant.
Genome position (GRCh38, 1-based): chr6:56,593,877, A>G on the plus strand (T>C on the coding strand, the complement: DST is on the minus strand). VCF-style: chr6-56593877-A-G. GRCh37 (hg19) VCF-style: chr6-56458675-A-G.
Other names: c.6155T>C, p.Met2052Thr (NM_001144769.5); c.5741T>C, p.Met1914Thr (NM_001144770.2); c.12512T>C, p.Met4171Thr (NM_001374722.1); c.11879T>C, p.Met3960Thr (NM_001374729.1); c.5621T>C, p.Met1874Thr (NM_001374730.1, NM_001386100.1, NM_183380.4); c.12539T>C, p.Met4180Thr (NM_001374734.1); c.4643T>C, p.Met1548Thr (NM_015548.5); short protein forms M4171T, M1874T, M2052T, M4180T, M1548T, M1914T, M3960T.
Identifiers: ClinVar variation 1751902 (VCV001751902.2), dbSNP rs2098329455, ClinGen allele CA364525913.